The following is an entry in ClinVar:

ClinVar aggregate classification (germline): Uncertain significance (1 of 4 stars; one submission).

Submission:

Ambry Genetics
Classification: Uncertain significance. Last evaluated: 2025-04-29. Review status: criteria provided, single submitter. Criteria: Ambry Variant Classification Scheme 2023. Collection method: clinical testing. Allele origin: germline.
Comment: The p.D53N variant (also known as c.157G>A), located in coding exon 2 of the GFI1 gene, results from a G to A substitution at nucleotide position 157. The aspartic acid at codon 53 is replaced by asparagine, an amino acid with highly similar properties. This amino acid position is conserved. In addition, this alteration is predicted to be tolerated by in silico analysis. Based on the available evidence, the clinical significance of this variant remains unclear.

NM_005263.5(GFI1):c.157G>A (p.Asp53Asn)

Gene: GFI1 (growth factor independent 1 transcriptional repressor; minus strand). Cytogenetic location: 1p22.1.
Variant type: single nucleotide variant.
Coding change: c.157G>A on transcript NM_005263.5 (MANE Select); coding-DNA position 157, G replaced by A.
Protein change: p.Asp53Asn; replaces aspartic acid 53 with asparagine.
Molecular consequence: missense variant.
Genome position (GRCh38, 1-based): chr1:92,483,005, C>T on the plus strand (G>A on the coding strand, the complement: GFI1 is on the minus strand). VCF-style: chr1-92483005-C-T. GRCh37 (hg19) VCF-style: chr1-92948562-C-T.
Other names: c.157G>A, p.Asp53Asn (NM_001127215.3, NM_001127216.3); short protein forms D53N.
Identifiers: ClinVar variation 4029406 (VCV004029406.1).